The following is an entry in ClinVar:

ClinVar aggregate classification (germline): Likely pathogenic (1 of 4 stars; one submission).

Conditions:
Meckel syndrome, type 3 (MKS3). Also called: MECKEL-GRUBER SYNDROME, TYPE 3. Identifiers: Orphanet 564, MedGen C1846357, MONDO:0011821, OMIM 607361.

Submission:

Center of Reproductive Medicine, Zhuhai Center for Maternal and Child Health Care, South China University of Technology
Classification: Likely pathogenic for Meckel syndrome, type 3. Last evaluated: 2026-08-28. Review status: criteria provided, single submitter. Criteria: ACMG Guidelines, 2015. Collection method: provider interpretation. Allele origin: germline. Inheritance: Autosomal recessive inheritance. Affected: yes. Observed: 1 variant allele, 1 compound heterozygote.
Comment: The TMEM67 c.1835dupA variant is a frameshift variant predicted to result in premature termination and loss of normal protein function. Loss-of-function variants in TMEM67 are an established disease mechanism for autosomal recessive Meckel syndrome type 3. The variant is absent or extremely rare in population databases. The phenotype is consistent with the spectrum of TMEM67-related Meckel syndrome. Based on ACMG/AMP criteria PVS1 and PM2, the c.1835dupA variant was classified as likely pathogenic.

Literature cited by the submitters: PubMed 16415887; PubMed 20232449.

NM_153704.6(TMEM67):c.1835dup (p.Tyr612Ter)

Gene: TMEM67 (transmembrane protein 67; plus strand). Cytogenetic location: 8q22.1.
Variant type: Duplication.
Coding change: c.1835dup on transcript NM_153704.6 (MANE Select); coding-DNA position 1835, one base duplicated (A; older notation c.1835dupA).
Protein change: p.Tyr612Ter; replaces tyrosine 612 with a stop codon.
Molecular consequence: nonsense. On other transcripts: frameshift variant (1), non-coding transcript variant (1).
Genome position (GRCh38, 1-based): chr8:93,795,962, A duplicated. VCF-style (leftmost placement, unchanged base first): chr8-93795961-T-TA. GRCh37 (hg19) VCF-style: chr8-94808189-T-TA.
Other names: c.1835dupA (NM_153704.5); c.1592dup, p.Tyr531Ter (NM_001142301.1); short protein forms Y531*, Y612*.
Identifiers: ClinVar variation 4974779 (VCV004974779.1).